The following is an entry in ClinVar:

ClinVar aggregate classification (germline): Uncertain significance. Review status: criteria provided, multiple submitters, no conflicts (2 of 4 stars). 3 submissions from 3 submitters: Uncertain significance (3). Last evaluated 2025-06-28.

Allele frequency attached by ClinVar (database versions not stated): TOPMed 0.00002; gnomAD 0.00001; gnomAD exomes 0.00001.
gnomAD v4.1: 5 of 1,613,754 alleles (0.00031%); highest among the groups gnomAD compares: Admixed American, 0.0017%; no homozygotes.

Submissions (3):

Dasa
Classification: Uncertain significance. Last evaluated: 2025-06-28. Review status: criteria provided, single submitter. Criteria: DASA Assertion Criteria. Collection method: clinical testing. Allele origin: germline.
Comment: NM_022124.6(CDH23):c.1996G>A (p.Asp666Asn) is a missense variant that results in the substitution of aspartic acid with asparagine. This variant is rare in population databases. The currently available literature and clinical evidence are not sufficient to establish a definitive association between this variant and the reported condition. Therefore, this variant is classified as a variant of uncertain significance.

Labcorp Genetics (formerly Invitae), Labcorp
Classification: Uncertain significance. Last evaluated: 2023-10-16. Review status: criteria provided, single submitter. Criteria: Invitae Variant Classification Sherloc (09022015). Collection method: clinical testing. Allele origin: germline.
Comment: This sequence change replaces aspartic acid, which is acidic and polar, with asparagine, which is neutral and polar, at codon 666 of the CDH23 protein (p.Asp666Asn). This variant is not present in population databases (gnomAD no frequency). This variant has not been reported in the literature in individuals affected with CDH23-related conditions. ClinVar contains an entry for this variant (Variation ID: 1372477). Advanced modeling of protein sequence and biophysical properties (such as structural, functional, and spatial information, amino acid conservation, physicochemical variation, residue mobility, and thermodynamic stability) has been performed at Invitae for this missense variant, however the output from this modeling did not meet the statistical confidence thresholds required to predict the impact of this variant on CDH23 protein function. In summary, the available evidence is currently insufficient to determine the role of this variant in disease. Therefore, it has been classified as a Variant of Uncertain Significance.

GeneDx
Classification: Uncertain significance. Last evaluated: 2022-08-12. Review status: criteria provided, single submitter. Criteria: GeneDx Variant Classification Process June 2021. Collection method: clinical testing. Allele origin: germline.
Comment: Not observed at significant frequency in large population cohorts (gnomAD); In silico analysis supports that this missense variant has a deleterious effect on protein structure/function; Has not been previously published as pathogenic or benign to our knowledge; This variant is associated with the following publications: (PMID: 15537665)

NM_022124.6(CDH23):c.1996G>A (p.Asp666Asn)

Gene: CDH23 (cadherin related 23; plus strand). Cytogenetic location: 10q22.1.
Variant type: single nucleotide variant.
Coding change: c.1996G>A on transcript NM_022124.6 (MANE Select); coding-DNA position 1996, G replaced by A.
Protein change: p.Asp666Asn; replaces aspartic acid 666 with asparagine.
Molecular consequence: missense variant.
Genome position (GRCh38, 1-based): chr10:71,687,656, G>A. VCF-style: chr10-71687656-G-A. GRCh37 (hg19) VCF-style: chr10-73447413-G-A.
Other names: c.1996G>A, p.Asp666Asn (NM_001171930.2, NM_001171931.2); short protein forms D666N.
Identifiers: ClinVar variation 1372477 (VCV001372477.9), dbSNP rs1404501539, ClinGen allele CA377133165.